The following is an entry in ClinVar:

ClinVar aggregate classification (germline): Likely benign. Review status: criteria provided, multiple submitters, no conflicts (2 of 4 stars). 2 submissions from 2 submitters: Likely benign (2). Last evaluated 2023-04-10.

Conditions:
Long QT syndrome (LQTS). Identifiers: MedGen C0023976, MeSH D008133, MONDO:0002442. Disease mechanism: loss of function. Inheritance: Various modes of inheritance.

gnomAD v4.1: 1 of 1,539,584 alleles (0.000065%); highest among the groups gnomAD compares: Non-Finnish European, 0.000088%; no homozygotes.

Submissions (2):

All of Us Research Program, National Institutes of Health
Classification: Likely benign for Long QT syndrome. Last evaluated: 2023-04-10. Review status: criteria provided, single submitter. Criteria: ACMG Guidelines, 2015. Collection method: clinical testing. Allele origin: germline. Inheritance: Autosomal dominant inheritance. Observed: 1 variant allele, 1 heterozygote.
Comment: This study involves interpretation of variants in research participants for the purpose of population health screening. Participant phenotype was not available at the time of variant classification. Additional details can be found in publication PMID: 35346344, PMCID: PMC8962531

Labcorp Genetics (formerly Invitae), Labcorp
Classification: Likely benign for Long QT syndrome. Last evaluated: 2018-08-04. Review status: criteria provided, single submitter. Criteria: Invitae Variant Classification Sherloc (09022015). Collection method: clinical testing. Allele origin: germline.

NM_000238.4(KCNH2):c.2647C>A (p.Arg883=)

Gene: KCNH2 (potassium voltage-gated channel subfamily H member 2; minus strand). Cytogenetic location: 7q36.1.
Variant type: single nucleotide variant.
Coding change: c.2647C>A on transcript NM_000238.4 (MANE Select); coding-DNA position 2647, C replaced by A.
Protein change: p.Arg883=; no amino-acid change (arginine 883 retained).
Molecular consequence: synonymous variant.
Genome position (GRCh38, 1-based): chr7:150,948,489, G>T on the plus strand (C>A on the coding strand, the complement: KCNH2 is on the minus strand). VCF-style: chr7-150948489-G-T. GRCh37 (hg19) VCF-style: chr7-150645577-G-T.
Other names: c.1627C>A, p.Arg543= (NM_172057.3).
Identifiers: ClinVar variation 764702 (VCV000764702.9), dbSNP rs201765446, ClinGen allele CA458644998.